The following is an entry in ClinVar:

ClinVar aggregate classification (germline): Uncertain significance. Review status: criteria provided, multiple submitters, no conflicts (2 of 4 stars). 2 submissions from 2 submitters: Uncertain significance (2). Last evaluated 2024-07-10.

Conditions:
Long QT syndrome (LQTS). Identifiers: MedGen C0023976, MeSH D008133, MONDO:0002442. Disease mechanism: loss of function. Inheritance: Various modes of inheritance.

Allele frequency attached by ClinVar (database versions not stated): gnomAD exomes 0.00001; ExAC 0.00020.

Submissions (2):

Labcorp Genetics (formerly Invitae), Labcorp
Classification: Uncertain significance for Long QT syndrome. Last evaluated: 2024-07-10. Review status: criteria provided, single submitter. Criteria: Invitae Variant Classification Sherloc (09022015). Collection method: clinical testing. Allele origin: germline.
Comment: This sequence change replaces proline, which is neutral and non-polar, with serine, which is neutral and polar, at codon 241 of the KCNH2 protein (p.Pro241Ser). The frequency data for this variant in the population databases is considered unreliable, as metrics indicate poor data quality at this position in the gnomAD database. This variant has not been reported in the literature in individuals affected with KCNH2-related conditions. ClinVar contains an entry for this variant (Variation ID: 2048093). An algorithm developed to predict the effect of missense changes on protein structure and function (PolyPhen-2) suggests that this variant is likely to be tolerated. In summary, the available evidence is currently insufficient to determine the role of this variant in disease. Therefore, it has been classified as a Variant of Uncertain Significance.

Clinical Genetics Laboratory, Skane University Hospital Lund
Classification: Uncertain significance. Last evaluated: 2022-05-27. Review status: criteria provided, single submitter. Criteria: ACMG Guidelines, 2015. Collection method: clinical testing. Allele origin: germline. Affected: yes.

NM_000238.4(KCNH2):c.721C>T (p.Pro241Ser)

Gene: KCNH2 (potassium voltage-gated channel subfamily H member 2; minus strand). Cytogenetic location: 7q36.1.
Variant type: single nucleotide variant.
Coding change: c.721C>T on transcript NM_000238.4 (MANE Select); coding-DNA position 721, C replaced by T.
Protein change: p.Pro241Ser; replaces proline 241 with serine.
Molecular consequence: missense variant.
Genome position (GRCh38, 1-based): chr7:150,958,254, G>A on the plus strand (C>T on the coding strand, the complement: KCNH2 is on the minus strand). VCF-style: chr7-150958254-G-A. GRCh37 (hg19) VCF-style: chr7-150655342-G-A.
Other names: c.433C>T, p.Pro145Ser (NM_001406753.1, NM_001406756.1); c.544C>T, p.Pro182Ser (NM_001406755.1); c.421C>T, p.Pro141Ser (NM_001406757.1); c.721C>T, p.Pro241Ser (NM_172056.3); short protein forms P182S, P241S, P141S, P145S.
Identifiers: ClinVar variation 2048093 (VCV002048093.5), dbSNP rs768081120, ClinGen allele CA040287.